The following is an entry in ClinVar:

ClinVar aggregate classification (germline): Uncertain significance (1 of 4 stars; one submission).

Conditions:
Inborn genetic diseases. Identifiers: MedGen C0950123, MeSH D030342.

Submission:

Ambry Genetics
Classification: Uncertain significance for Inborn genetic diseases. Last evaluated: 2024-12-22. Review status: criteria provided, single submitter. Criteria: Ambry Variant Classification Scheme 2023. Collection method: clinical testing. Allele origin: germline.
Comment: The p.E32A variant (also known as c.95A>C), located in coding exon 1 of the ANKRD26 gene, results from an A to C substitution at nucleotide position 95. The glutamic acid at codon 32 is replaced by alanine, an amino acid with dissimilar properties. This amino acid position is conserved. In addition, this alteration is predicted to be tolerated by in silico analysis. Based on the available evidence, the clinical significance of this variant remains unclear.

NM_014915.3(ANKRD26):c.95A>C (p.Glu32Ala)

Genes: ANKRD26 (ankyrin repeat domain containing 26; minus strand), LOC130003554 (ATAC-STARR-seq lymphoblastoid silent region 2243; plus strand). Cytogenetic location: 10p12.1.
Variant type: single nucleotide variant.
Coding change: c.95A>C on transcript NM_014915.3 (MANE Select); coding-DNA position 95, A replaced by C.
Protein change: p.Glu32Ala; replaces glutamic acid 32 with alanine.
Molecular consequence: missense variant.
Genome position (GRCh38, 1-based): chr10:27,100,232, T>G on the plus strand (A>C on the coding strand, the complement: ANKRD26 is on the minus strand). VCF-style: chr10-27100232-T-G. GRCh37 (hg19) VCF-style: chr10-27389161-T-G.
Other names: c.95A>C, p.Glu32Ala (NM_001256053.2); short protein forms E32A.
Identifiers: ClinVar variation 3867830 (VCV003867830.1).
Genomic context (GRCh38, chr10:27,100,232, plus strand): 5'-TTGTGGATCTTGCCGAGATCTCGGTCTCGGACGTGGTAGCCGGGCTGCGAGTAGGCGCCC[T>G]CCCCCGGCTCGCCCCCGCCTCCCGCGCTGCTCCTCTGCCGCCGCGCGAAGGAGCCCAAGG-3'
Protein context (NP_055730.2, residues 22-42): SSAGGGGEPG[Glu32Ala]GAYSQPGYHV